The following is an entry in ClinVar:

ClinVar aggregate classification (germline): Uncertain significance (1 of 4 stars; one submission).

Conditions:
Werner syndrome (WRN). Identifiers: Orphanet 902, MedGen C0043119, MONDO:0010196, OMIM 277700.

Submission:

Labcorp Genetics (formerly Invitae), Labcorp
Classification: Uncertain significance for Werner syndrome. Last evaluated: 2023-05-21. Review status: criteria provided, single submitter. Criteria: Invitae Variant Classification Sherloc (09022015). Collection method: clinical testing. Allele origin: germline.
Comment: This sequence change replaces glutamine, which is neutral and polar, with lysine, which is basic and polar, at codon 407 of the WRN protein (p.Gln407Lys). In summary, the available evidence is currently insufficient to determine the role of this variant in disease. Therefore, it has been classified as a Variant of Uncertain Significance. An algorithm developed to predict the effect of missense changes on protein structure and function (PolyPhen-2) suggests that this variant is likely to be tolerated. This variant has not been reported in the literature in individuals affected with WRN-related conditions. This variant is not present in population databases (gnomAD no frequency).

NM_000553.6(WRN):c.1219C>A (p.Gln407Lys)

Gene: WRN (WRN RecQ like helicase; plus strand). Cytogenetic location: 8p12.
Variant type: single nucleotide variant.
Coding change: c.1219C>A on transcript NM_000553.6 (MANE Select); coding-DNA position 1219, C replaced by A.
Protein change: p.Gln407Lys; replaces glutamine 407 with lysine.
Molecular consequence: missense variant.
Genome position (GRCh38, 1-based): chr8:31,081,246, C>A. VCF-style: chr8-31081246-C-A. GRCh37 (hg19) VCF-style: chr8-30938762-C-A.
Other names: short protein forms Q407K.
Identifiers: ClinVar variation 2903028 (VCV002903028.3), dbSNP rs2535911452, ClinGen allele CA370921323.